The following is an entry in ClinVar:

ClinVar aggregate classification (germline): Uncertain significance. Review status: criteria provided, multiple submitters, no conflicts (2 of 4 stars). 2 submissions from 2 submitters: Uncertain significance (2). Last evaluated 2025-08-23.

Conditions:
Primary ciliary dyskinesia. Also called: Ciliary dyskinesia. Identifiers: Orphanet 244, MedGen C0008780, MONDO:0016575, HP:0012265.

Allele frequency attached by ClinVar (database versions not stated): TOPMed 0.00001; gnomAD exomes 0.00002; ExAC 0.00001.
gnomAD v4.1: 18 of 1,614,142 alleles (0.0011%); highest among the groups gnomAD compares: Middle Eastern, 0.016%; no homozygotes.

Submissions (2):

Ambry Genetics
Classification: Uncertain significance for Primary ciliary dyskinesia. Last evaluated: 2025-08-23. Review status: criteria provided, single submitter. Criteria: Ambry Variant Classification Scheme 2023. Collection method: clinical testing. Allele origin: germline.

Labcorp Genetics (formerly Invitae), Labcorp
Classification: Uncertain significance for Primary ciliary dyskinesia. Last evaluated: 2022-02-08. Review status: criteria provided, single submitter. Criteria: Invitae Variant Classification Sherloc (09022015). Collection method: clinical testing. Allele origin: germline.
Comment: In summary, the available evidence is currently insufficient to determine the role of this variant in disease. Therefore, it has been classified as a Variant of Uncertain Significance. Algorithms developed to predict the effect of missense changes on protein structure and function are either unavailable or do not agree on the potential impact of this missense change (SIFT: "Deleterious"; PolyPhen-2: "Possibly Damaging"; Align-GVGD: "Class C0"). ClinVar contains an entry for this variant (Variation ID: 646741). This variant has not been reported in the literature in individuals affected with CCDC40-related conditions. This variant is present in population databases (rs757374609, gnomAD 0.01%). This sequence change replaces arginine, which is basic and polar, with cysteine, which is neutral and slightly polar, at codon 988 of the CCDC40 protein (p.Arg988Cys).

NM_017950.4(CCDC40):c.2962C>T (p.Arg988Cys)

Gene: CCDC40 (coiled-coil domain 40 molecular ruler complex subunit; plus strand). Cytogenetic location: 17q25.3.
Variant type: single nucleotide variant.
Coding change: c.2962C>T on transcript NM_017950.4 (MANE Select); coding-DNA position 2962, C replaced by T.
Protein change: p.Arg988Cys; replaces arginine 988 with cysteine.
Molecular consequence: missense variant.
Genome position (GRCh38, 1-based): chr17:80,095,392, C>T. VCF-style: chr17-80095392-C-T. GRCh37 (hg19) VCF-style: chr17-78069191-C-T.
Other names: short protein forms R988C.
Identifiers: ClinVar variation 646741 (VCV000646741.9), dbSNP rs757374609, ClinGen allele CA8814561.